The following is an entry in ClinVar:

NM_018124.4(RFWD3):c.652A>G (p.Ser218Gly)

Gene: RFWD3 (ring finger and WD repeat domain 3; minus strand). Cytogenetic location: 16q23.1.
Variant type: single nucleotide variant.
Coding change: c.652A>G on transcript NM_018124.4 (MANE Select); coding-DNA position 652, A replaced by G.
Protein change: p.Ser218Gly; replaces serine 218 with glycine.
Molecular consequence: missense variant. On other transcripts: 5 prime UTR variant (4), intron variant (1).
Genome position (GRCh38, 1-based): chr16:74,651,989, T>C on the plus strand (A>G on the coding strand, the complement: RFWD3 is on the minus strand). VCF-style: chr16-74651989-T-C. GRCh37 (hg19) VCF-style: chr16-74685887-T-C.
Other names: c.652A>G, p.Ser218Gly (NM_001370536.1, NM_001370534.1, NM_001370535.1); c.-357A>G (NM_001370537.1); c.-183A>G (NM_001370540.1); c.-234A>G (NM_001370542.1); c.-112A>G (NM_001370543.1); c.-113-2787A>G (NM_001370539.1); c.652A>G (NM_018124.3); short protein forms S218G.
Identifiers: ClinVar variation 3700494 (VCV003700494.3).

ClinVar aggregate classification (germline): Uncertain significance. Review status: criteria provided, multiple submitters, no conflicts (2 of 4 stars). 2 submissions from 2 submitters: Uncertain significance (2). Last evaluated 2025-12-10.

gnomAD v4.1: 2 of 1,614,096 alleles (0.00012%); highest among the groups gnomAD compares: Non-Finnish European, 0.000085%; no homozygotes.

Submissions (2):

Ambry Genetics
Classification: Uncertain significance. Last evaluated: 2025-12-10. Review status: criteria provided, single submitter. Criteria: Ambry Variant Classification Scheme 2023. Collection method: clinical testing. Allele origin: germline.

Labcorp Genetics (formerly Invitae), Labcorp
Classification: Uncertain significance. Last evaluated: 2024-06-10. Review status: criteria provided, single submitter. Criteria: Invitae Variant Classification Sherloc (09022015). Collection method: clinical testing. Allele origin: germline.
Comment: This sequence change replaces serine, which is neutral and polar, with glycine, which is neutral and non-polar, at codon 218 of the RFWD3 protein (p.Ser218Gly). This variant is present in population databases (no rsID available, gnomAD 0.0009%). This variant has not been reported in the literature in individuals affected with RFWD3-related conditions. An algorithm developed to predict the effect of missense changes on protein structure and function (PolyPhen-2) suggests that this variant is likely to be tolerated. In summary, the available evidence is currently insufficient to determine the role of this variant in disease. Therefore, it has been classified as a Variant of Uncertain Significance.